The following is an entry in ClinVar:

ClinVar aggregate classification (germline): Benign/Likely benign. Review status: criteria provided, multiple submitters, no conflicts (2 of 4 stars). 2 submissions from 2 submitters: Benign (1); Likely benign (1). Last evaluated 2025-05-13.

Conditions:
Tuberous sclerosis 2 (TSC2). Identifiers: Orphanet 805, MedGen C1860707, MONDO:0013199, OMIM 613254.

Allele frequency attached by ClinVar (database versions not stated): gnomAD 0.00001; gnomAD exomes 0.00001; ExAC 0.00002; TOPMed 0.00002; ESP Exome Variant Server 0.00008.

Submissions (2):

Labcorp Genetics (formerly Invitae), Labcorp
Classification: Likely benign for Tuberous sclerosis 2. Last evaluated: 2025-05-13. Review status: criteria provided, single submitter. Criteria: Invitae Variant Classification Sherloc (09022015). Collection method: clinical testing. Allele origin: germline.

Myriad Genetics, Inc.
Classification: Benign for Tuberous sclerosis 2. Last evaluated: 2024-09-09. Review status: criteria provided, single submitter. Criteria: Myriad Autosomal Dominant, Autosomal Recessive and X-Linked Classification Criteria (2023). Collection method: clinical testing. Allele origin: unknown.
Comment: This variant is considered benign. This variant is intronic and is not expected to impact mRNA splicing. This variant has been observed at a population frequency that is significantly greater than expected given the associated disease prevalence and penetrance.

NM_000548.5(TSC2):c.3814+7G>A

Gene: TSC2 (TSC complex subunit 2; plus strand). Cytogenetic location: 16p13.3.
Variant type: single nucleotide variant.
Coding change: c.3814+7G>A on transcript NM_000548.5 (MANE Select); 7 bases into the intron after coding-DNA position 3814, G replaced by A.
Molecular consequence: intron variant.
Genome position (GRCh38, 1-based): chr16:2,081,805, G>A. VCF-style: chr16-2081805-G-A. GRCh37 (hg19) VCF-style: chr16-2131806-G-A.
Other names: c.3814+7G>A (NM_001114382.3); c.3685+7G>A (NM_021055.3, NM_001370405.1, NM_001363528.2); c.3682+7G>A (NM_001370404.1, NM_001077183.3); c.3574+7G>A (NM_001318827.2); c.3082+7G>A (NM_001318831.2); c.3538+7G>A (NM_001318829.2); c.3715+7G>A (NM_001318832.2).
Identifiers: ClinVar variation 1088077 (VCV001088077.10), dbSNP rs372189946, ClinGen allele CA048627.